The following is an entry in ClinVar:

NM_014009.4(FOXP3):c.940G>A (p.Gly314Ser)

Gene: FOXP3 (forkhead box P3; minus strand). Cytogenetic location: Xp11.23.
Variant type: single nucleotide variant.
Coding change: c.940G>A on transcript NM_014009.4 (MANE Select); coding-DNA position 940, G replaced by A.
Protein change: p.Gly314Ser; replaces glycine 314 with serine.
Molecular consequence: missense variant.
Genome position (GRCh38, 1-based): chrX:49,253,944, C>T on the plus strand (G>A on the coding strand, the complement: FOXP3 is on the minus strand). VCF-style: chrX-49253944-C-T. GRCh37 (hg19) VCF-style: chrX-49110405-C-T.
Other names: c.835G>A, p.Gly279Ser (NM_001114377.2); short protein forms G279S, G314S.
Identifiers: ClinVar variation 2416693 (VCV002416693.7), dbSNP rs1557115930, ClinGen allele CA412950583.

ClinVar aggregate classification (germline): Uncertain significance. Review status: criteria provided, multiple submitters, no conflicts (2 of 4 stars). 2 submissions from 2 submitters: Uncertain significance (2). Last evaluated 2025-12-09.

Conditions:
Inborn genetic diseases. Identifiers: MedGen C0950123, MeSH D030342.
Insulin-dependent diabetes mellitus secretory diarrhea syndrome (IPEX). Also called: DIABETES MELLITUS, CONGENITAL INSULIN-DEPENDENT, WITH FATAL SECRETORY DIARRHEA; DIARRHEA, POLYENDOCRINOPATHY, FATAL INFECTION SYNDROME, X-LINKED; ENTEROPATHY, AUTOIMMUNE, WITH HEMOLYTIC ANEMIA AND POLYENDOCRINOPATHY; IMMUNODEFICIENCY, POLYENDOCRINOPATHY, AND ENTEROPATHY, X-LINKED; Immunodysregulation, polyendocrinopathy, and enteropathy, X-linked; Immune dysregulation-polyendocrinopathy-enteropathy-X-linked syndrome. Identifiers: Orphanet 37042, MedGen C0342288, MONDO:0010580, OMIM 304790. Disease mechanism: loss of function.

Allele frequency attached by ClinVar (database versions not stated): gnomAD exomes 0.00001; TOPMed 0.00002.

Submissions (2):

Labcorp Genetics (formerly Invitae), Labcorp
Classification: Uncertain significance for Insulin-dependent diabetes mellitus secretory diarrhea syndrome. Last evaluated: 2025-12-09. Review status: criteria provided, single submitter. Criteria: Invitae Variant Classification Sherloc (09022015). Collection method: clinical testing. Allele origin: germline.
Comment: This sequence change replaces glycine, which is neutral and non-polar, with serine, which is neutral and polar, at codon 314 of the FOXP3 protein (p.Gly314Ser). This variant is present in population databases (no rsID available, gnomAD 0.004%). This variant has not been reported in the literature in individuals affected with FOXP3-related conditions. ClinVar contains an entry for this variant (Variation ID: 2416693). Invitae Evidence Modeling of protein sequence and biophysical properties (such as structural, functional, and spatial information, amino acid conservation, physicochemical variation, residue mobility, and thermodynamic stability) indicates that this missense variant is not expected to disrupt FOXP3 protein function with a negative predictive value of 80%. In summary, the available evidence is currently insufficient to determine the role of this variant in disease. Therefore, it has been classified as a Variant of Uncertain Significance.

Ambry Genetics
Classification: Uncertain significance for Inborn genetic diseases. Last evaluated: 2025-06-17. Review status: criteria provided, single submitter. Criteria: Ambry Variant Classification Scheme 2023. Collection method: clinical testing. Allele origin: germline.